The following is an entry in ClinVar:

ClinVar aggregate classification (germline): Uncertain significance (1 of 4 stars; one submission).

Conditions:
Deficiency of galactokinase. Also called: Galactokinase deficiency with cataracts; GALACTOSEMIA II. Identifiers: Orphanet 352, Orphanet 79237, MedGen C0268155, MONDO:0009255, OMIM 230200.

Submission:

Myriad Genetics, Inc.
Classification: Uncertain significance for Deficiency of galactokinase. Last evaluated: 2026-04-29. Review status: criteria provided, single submitter. Criteria: Myriad Autosomal Dominant, Autosomal Recessive and X-Linked Classification Criteria (2023). Collection method: clinical testing. Allele origin: unknown.
Comment: NM_000154.1(GALK1):c.128A>G(E43G) is a missense variant classified as a variant of uncertain significance in the context of galactokinase deficiency. E43G has not been observed in cases with relevant disease. Relevant functional assessments of this variant are not available in the literature. E43G has been observed in referenced population frequency databases. In summary, there is insufficient evidence to classify NM_000154.1(GALK1):c.128A>G(E43G) as pathogenic or benign. Please note: this variant was assessed in the context of healthy population screening.

NM_000154.2(GALK1):c.128A>G (p.Glu43Gly)

Gene: GALK1 (galactokinase 1; minus strand). Cytogenetic location: 17q25.1.
Variant type: single nucleotide variant.
Coding change: c.128A>G on transcript NM_000154.2 (MANE Select); coding-DNA position 128, A replaced by G.
Protein change: p.Glu43Gly; replaces glutamic acid 43 with glycine.
Molecular consequence: missense variant.
Genome position (GRCh38, 1-based): chr17:75,765,009, T>C on the plus strand (A>G on the coding strand, the complement: GALK1 is on the minus strand). VCF-style: chr17-75765009-T-C. GRCh37 (hg19) VCF-style: chr17-73761090-T-C.
Other names: c.128A>G, p.Glu43Gly (NM_001381985.1); short protein forms E43G.
Identifiers: ClinVar variation 5003781 (VCV005003781.1).